The following is an entry in ClinVar:

NM_001242882.2(NAXD):c.870C>T (p.Gly290=)

Gene: NAXD (NAD(P)HX dehydratase; plus strand). Cytogenetic location: 13q34.
Variant type: single nucleotide variant.
Coding change: c.870C>T on transcript NM_001242882.2 (MANE Select); coding-DNA position 870, C replaced by T.
Protein change: p.Gly290=; no amino-acid change (glycine 290 retained).
Molecular consequence: synonymous variant. On other transcripts: missense variant (1), non-coding transcript variant (2).
Genome position (GRCh38, 1-based): chr13:110,638,408, C>T. VCF-style: chr13-110638408-C-T. GRCh37 (hg19) VCF-style: chr13-111290755-C-T.
Other names: c.924C>T, p.Gly308= (NM_001242881.2); c.594C>T, p.Gly198= (NM_001242883.2); c.1060C>T, p.Arg354Cys (NM_018210.4); short protein forms R354C.
Identifiers: ClinVar variation 1401834 (VCV001401834.3), dbSNP rs539957839, ClinGen allele CA7051448.

ClinVar aggregate classification (germline): Uncertain significance (1 of 4 stars; one submission).

Allele frequency attached by ClinVar (database versions not stated): gnomAD 0.00001; gnomAD exomes 0.00002 and 0.00005; TOPMed 0.00003; ExAC 0.00004; 1000 Genomes Project 30x 0.00031; 1000 Genomes Project 0.00040.
gnomAD v4.1: 25 of 1,613,704 alleles (0.0015%); highest among the groups gnomAD compares: Middle Eastern, 0.033%; no homozygotes.

Submission:

Labcorp Genetics (formerly Invitae), Labcorp
Classification: Uncertain significance. Last evaluated: 2021-12-02. Review status: criteria provided, single submitter. Criteria: Invitae Variant Classification Sherloc (09022015). Collection method: clinical testing. Allele origin: germline.
Comment: This sequence change replaces arginine, which is basic and polar, with cysteine, which is neutral and slightly polar, at codon 354 of the NAXD protein (p.Arg354Cys). This variant is present in population databases (rs539957839, gnomAD 0.03%). This variant has not been reported in the literature in individuals affected with NAXD-related conditions. Algorithms developed to predict the effect of missense changes on protein structure and function output the following: SIFT: "Tolerated"; PolyPhen-2: "Benign"; Align-GVGD: "Class C0". The cysteine amino acid residue is found in multiple mammalian species, which suggests that this missense change does not adversely affect protein function. In summary, the available evidence is currently insufficient to determine the role of this variant in disease. Therefore, it has been classified as a Variant of Uncertain Significance.